The following is an entry in ClinVar:

NM_001288705.3(CSF1R):c.1654ATC[1] (p.Ile553del)

Gene: CSF1R (colony stimulating factor 1 receptor; minus strand). Cytogenetic location: 5q32.
Variant type: Microsatellite.
Coding change: c.1654ATC[1] on transcript NM_001288705.3 (MANE Select); one copy of the 3-base unit ATC starting at c.1654; the reference has two copies in a row; one copy, 3 bases deleted.
Protein change: p.Ile553del; deletes isoleucine 553.
Molecular consequence: inframe deletion. On other transcripts: non-coding transcript variant (2).
Genome position (GRCh38, 1-based): chr5:150,061,817-150,061,819, GAT deleted on the plus strand (ATC on the coding strand, the reverse complement: CSF1R is on the minus strand); deleting any 3 consecutive bases within chr5:150,061,817-150,061,822 gives the same sequence; the position shown is the placement nearest the transcript's 3' end. VCF-style (leftmost placement, unchanged base first): chr5-150061816-CGAT-C. GRCh37 (hg19) VCF-style: chr5-149441379-CGAT-C.
Other names: c.1654ATC[1], p.Ile553del (NM_001349736.2, NM_001375320.1, NM_005211.4); c.1210ATC[1], p.Ile405del (NM_001375321.1); short protein forms I553del, I405del.
Identifiers: ClinVar variation 1387092 (VCV001387092.6), dbSNP rs1561914111, ClinGen allele CA917607868.
Genomic context (GRCh38, chr5:150,061,816, plus strand): 5'-TCTCGTTGTAAGGCAGCTGCGTGGGGTCGATGAAAGTATAACTGTTGCCCTCATAGCTCT[CGAT>C]GATCTTCCAGCGGACCTGGTACTTGGGCTTCTGCAGAAGAGGAAGGGAGCACGTGGCAGT-3'

ClinVar aggregate classification (germline): Uncertain significance (1 of 4 stars; one submission).

Submission:

Labcorp Genetics (formerly Invitae), Labcorp
Classification: Uncertain significance. Last evaluated: 2022-01-01. Review status: criteria provided, single submitter. Criteria: Invitae Variant Classification Sherloc (09022015). Collection method: clinical testing. Allele origin: germline.
Comment: In summary, the available evidence is currently insufficient to determine the role of this variant in disease. Therefore, it has been classified as a Variant of Uncertain Significance. Experimental studies and prediction algorithms are not available or were not evaluated, and the functional significance of this variant is currently unknown. This variant has not been reported in the literature in individuals affected with CSF1R-related conditions. This variant is not present in population databases (gnomAD no frequency). This variant, c.1657_1659del, results in the deletion of 1 amino acid(s) of the CSF1R protein (p.Ile553del), but otherwise preserves the integrity of the reading frame.